The following is an entry in ClinVar:

ClinVar aggregate classification (germline): Uncertain significance (1 of 4 stars; one submission).

Conditions:
Cardiovascular phenotype. Identifiers: MedGen CN230736.
Hereditary cancer-predisposing syndrome. Also called: Neoplastic Syndromes, Hereditary; Tumor predisposition; Hereditary neoplastic syndrome; Hereditary Cancer Syndrome. Identifiers: Orphanet 140162, MedGen C0027672, MeSH D009386, MONDO:0015356.

Submission:

Ambry Genetics
Classification: Uncertain significance for Cardiovascular phenotype; Hereditary cancer-predisposing syndrome. Last evaluated: 2025-06-03. Review status: criteria provided, single submitter. Criteria: Ambry Variant Classification Scheme 2023. Collection method: clinical testing. Allele origin: germline.
Comment: The p.R2429G variant (also known as c.7285C>G), located in coding exon 49 of the NF1 gene, results from a C to G substitution at nucleotide position 7285. The arginine at codon 2429 is replaced by glycine, an amino acid with dissimilar properties. This amino acid position is highly conserved in available vertebrate species. In addition, the in silico prediction for this alteration is inconclusive. Based on the available evidence, the clinical significance of this variant remains unclear.

NM_001042492.3(NF1):c.7348C>G (p.Arg2450Gly)

Gene: NF1 (neurofibromin 1; plus strand). Cytogenetic location: 17q11.2.
Variant type: single nucleotide variant.
Coding change: c.7348C>G on transcript NM_001042492.3 (MANE Select); coding-DNA position 7348, C replaced by G.
Protein change: p.Arg2450Gly; replaces arginine 2450 with glycine.
Molecular consequence: missense variant.
Genome position (GRCh38, 1-based): chr17:31,350,209, C>G. VCF-style: chr17-31350209-C-G. GRCh37 (hg19) VCF-style: chr17-29677227-C-G.
Other names: c.7285C>G, p.Arg2429Gly (NM_000267.4); short protein forms R2429G, R2450G.
Identifiers: ClinVar variation 4032412 (VCV004032412.1).